The following is an entry in ClinVar:

ClinVar aggregate classification (germline): Pathogenic (1 of 4 stars; one submission).

Submission:

Labcorp Genetics (formerly Invitae), Labcorp
Classification: Pathogenic. Last evaluated: 2025-01-01. Review status: criteria provided, single submitter. Criteria: Invitae Variant Classification Sherloc (09022015). Collection method: clinical testing. Allele origin: germline.
Comment: This sequence change creates a premature translational stop signal (p.Asp271Glufs*15) in the TMPRSS15 gene. It is expected to result in an absent or disrupted protein product. Loss-of-function variants in TMPRSS15 are known to be pathogenic (PMID: 11719902). This variant is not present in population databases (gnomAD no frequency). This variant has not been reported in the literature in individuals affected with TMPRSS15-related conditions. For these reasons, this variant has been classified as Pathogenic.

Literature cited by the submitters: PubMed 11719902.

NM_002772.3(TMPRSS15):c.812_813insAACAAATATACAATTACTTATGAAAATGAAAATATGTGGGTAAA (p.Asp271delinsGluThrAsnIleGlnLeuLeuMetLysMetLysIleCysGlyTer)

Gene: TMPRSS15 (transmembrane serine protease 15; minus strand). Cytogenetic location: 21q21.1.
Variant type: Insertion.
Coding change: c.812_813insAACAAATATACAATTACTTATGAAAATGAAAATATGTGGGTAAA on transcript NM_002772.3 (MANE Select); coding-DNA positions 812 to 813, AACAAATATACAATTACTTATGAAAATGAAAATATGTGGGTAAA inserted.
Protein change: p.Asp271delinsGluThrAsnIleGlnLeuLeuMetLysMetLysIleCysGlyTer.
Molecular consequence: nonsense.
Genome position: GRCh38: chr21:18,359,825-18,359,826. GRCh37 (hg19): chr21:19,732,142-19,732,143.
Other names: c.947_948insAACAAATATACAATTACTTATGAAAATGAAAATATGTGGGTAAA, p.Asp316delinsGluThrAsnIleGlnLeuLeuMetLysMetLysIleCysGlyTer (NM_001428056.1); c.812_813insAACAAATATACAATTACTTATGAAAATGAAAATATGTGGGTAAA, p.Asp271delinsGluThrAsnIleGlnLeuLeuMetLysMetLysIleCysGlyTer (NM_001428057.1).
Identifiers: ClinVar variation 3701246 (VCV003701246.2).